The following is an entry in ClinVar:

NM_000254.3(MTR):c.3431G>C (p.Arg1144Thr)

Gene: MTR (5-methyltetrahydrofolate-homocysteine methyltransferase; plus strand). Cytogenetic location: 1q43.
Variant type: single nucleotide variant.
Coding change: c.3431G>C on transcript NM_000254.3 (MANE Select); coding-DNA position 3431, G replaced by C.
Protein change: p.Arg1144Thr; replaces arginine 1144 with threonine.
Molecular consequence: missense variant.
Genome position (GRCh38, 1-based): chr1:236,895,383, G>C. VCF-style: chr1-236895383-G-C. GRCh37 (hg19) VCF-style: chr1-237058683-G-C.
Other names: c.3278G>C, p.Arg1093Thr (NM_001291939.1); c.2210G>C, p.Arg737Thr (NM_001291940.2); c.3242G>C, p.Arg1081Thr (NM_001410942.1); short protein forms R737T, R1081T, R1093T, R1144T.
Identifiers: ClinVar variation 3296752 (VCV003296752.2).

ClinVar aggregate classification (germline): Uncertain significance. Review status: criteria provided, multiple submitters, no conflicts (2 of 4 stars). 2 submissions from 2 submitters: Uncertain significance (2). Last evaluated 2025-09-24.

Conditions:
Methylcobalamin deficiency type cblG (HMAG). Also called: HOMOCYSTINURIA-MEGALOBLASTIC ANEMIA, cblG COMPLEMENTATION TYPE; Functional methionine synthase deficiency type cblG; HOMOCYSTINURIA-MEGALOBLASTIC ANEMIA DUE TO DEFECT IN COBALAMIN METABOLISM, cblG COMPLEMENTATION TYPE; HOMOCYSTINURIA-MEGALOBLASTIC ANEMIA, cblG TYPE. Identifiers: Orphanet 2170, Orphanet 622, MedGen C1855128, MONDO:0009609, OMIM 250940.
Inborn genetic diseases. Identifiers: MedGen C0950123, MeSH D030342.

gnomAD v4.1: 3 of 1,602,928 alleles (0.00019%); highest among the groups gnomAD compares: East Asian, 0.0067%; no homozygotes.

Submissions (2):

Labcorp Genetics (formerly Invitae), Labcorp
Classification: Uncertain significance for Methylcobalamin deficiency type cblG. Last evaluated: 2025-09-24. Review status: criteria provided, single submitter. Criteria: Invitae Variant Classification Sherloc (09022015). Collection method: clinical testing. Allele origin: germline.
Comment: This sequence change replaces arginine, which is basic and polar, with threonine, which is neutral and polar, at codon 1144 of the MTR protein (p.Arg1144Thr). This variant is present in population databases (rs571114008, gnomAD 0.01%). This variant has not been reported in the literature in individuals affected with MTR-related conditions. ClinVar contains an entry for this variant (Variation ID: 3296752). Invitae Evidence Modeling of protein sequence and biophysical properties (such as structural, functional, and spatial information, amino acid conservation, physicochemical variation, residue mobility, and thermodynamic stability) indicates that this missense variant is not expected to disrupt MTR protein function with a negative predictive value of 95%. In summary, the available evidence is currently insufficient to determine the role of this variant in disease. Therefore, it has been classified as a Variant of Uncertain Significance.

Ambry Genetics
Classification: Uncertain significance for Inborn genetic diseases. Last evaluated: 2024-03-25. Review status: criteria provided, single submitter. Criteria: Ambry Variant Classification Scheme 2023. Collection method: clinical testing. Allele origin: germline.